The following is an entry in ClinVar:

ClinVar aggregate classification (germline): Uncertain significance (1 of 4 stars; one submission).

Conditions:
CHARGE syndrome (CHARGE). Also called: Hittner Hirsch Kreh syndrome; CHARGE ASSOCIATION--COLOBOMA, HEART ANOMALY, CHOANAL ATRESIA, RETARDATION, GENITAL AND EAR ANOMALIES; Coloboma, heart anomaly, choanal atresia, retardation, genital and ear anomalies; CHARGE association; Hall-Hittner syndrome. Identifiers: Orphanet 138, MedGen C0265354, MONDO:0008965.

Submission:

Labcorp Genetics (formerly Invitae), Labcorp
Classification: Uncertain significance for CHARGE syndrome. Last evaluated: 2023-06-10. Review status: criteria provided, single submitter. Criteria: Invitae Variant Classification Sherloc (09022015). Collection method: clinical testing. Allele origin: germline.
Comment: Advanced modeling of protein sequence and biophysical properties (such as structural, functional, and spatial information, amino acid conservation, physicochemical variation, residue mobility, and thermodynamic stability) performed at Invitae indicates that this missense variant is not expected to disrupt CHD7 protein function. This sequence change replaces arginine, which is basic and polar, with threonine, which is neutral and polar, at codon 2264 of the CHD7 protein (p.Arg2264Thr). This variant is not present in population databases (gnomAD no frequency). This variant has not been reported in the literature in individuals affected with CHD7-related conditions. Algorithms developed to predict the effect of sequence changes on RNA splicing suggest that this variant may create or strengthen a splice site. In summary, the available evidence is currently insufficient to determine the role of this variant in disease. Therefore, it has been classified as a Variant of Uncertain Significance.

NM_017780.4(CHD7):c.6791G>C (p.Arg2264Thr)

Gene: CHD7 (chromodomain helicase DNA binding protein 7; plus strand). Cytogenetic location: 8q12.2.
Variant type: single nucleotide variant.
Coding change: c.6791G>C on transcript NM_017780.4 (MANE Select); coding-DNA position 6791, G replaced by C.
Protein change: p.Arg2264Thr; replaces arginine 2264 with threonine.
Molecular consequence: missense variant. On other transcripts: intron variant (1).
Genome position (GRCh38, 1-based): chr8:60,854,378, G>C. VCF-style: chr8-60854378-G-C. GRCh37 (hg19) VCF-style: chr8-61766937-G-C.
Other names: c.1717-7851G>C (NM_001316690.1); short protein forms R2264T.
Identifiers: ClinVar variation 2710442 (VCV002710442.3), dbSNP rs2488056429, ClinGen allele CA371294533.